The following is an entry in ClinVar:

ClinVar aggregate classification (germline): Uncertain significance. Review status: criteria provided, multiple submitters, no conflicts (2 of 4 stars). 3 submissions from 3 submitters: Uncertain significance (3). Last evaluated 2025-11-10.

Conditions:
MAGEL2-related disorder. Also called: MAGEL2-related condition.
Schaaf-Yang syndrome (SHFYNG). Also called: Arthrogryposis, distal, with hypopituitarism, intellectual disability, and facial anomalies; MAGEL2-related Prader-Willi-like syndrome. Identifiers: Orphanet 398069, MedGen C5575066, MONDO:0014243, OMIM 615547.

Allele frequency attached by ClinVar (database versions not stated): gnomAD exomes 0.00001; ExAC 0.00008.

Submissions (3):

PreventionGenetics, part of Exact Sciences
Classification: Uncertain significance for MAGEL2-related condition. Last evaluated: 2025-11-10. Review status: criteria provided, single submitter. Criteria: ACMG Guidelines, 2015. Collection method: clinical testing. Allele origin: germline.
Comment: The MAGEL2 c.626T>C variant is predicted to result in the amino acid substitution p.Met209Thr. To our knowledge, this variant has not been reported in the literature. This variant is reported in 0.0047% of alleles in individuals of South Asian descent in gnomAD. At this time, the clinical significance of this variant is uncertain due to the absence of conclusive functional and genetic evidence.

Genetics and Molecular Pathology, SA Pathology
Classification: Uncertain significance for Schaaf-Yang syndrome. Last evaluated: 2023-08-03. Review status: criteria provided, single submitter. Criteria: ACMG Guidelines, 2015. Collection method: clinical testing. Allele origin: germline. Inheritance: Autosomal dominant inheritance. Affected: yes.

GeneDx
Classification: Uncertain significance. Last evaluated: 2022-02-28. Review status: criteria provided, single submitter. Criteria: GeneDx Variant Classification Process June 2021. Collection method: clinical testing. Allele origin: germline. Affected: yes.
Comment: Not observed at significant frequency in large population cohorts (gnomAD); In silico analysis supports that this missense variant does not alter protein structure/function; Has not been previously published as pathogenic or benign to our knowledge

NM_019066.5(MAGEL2):c.626T>C (p.Met209Thr)

Gene: MAGEL2 (MAGE family member L2; minus strand). Cytogenetic location: 15q11.2.
Variant type: single nucleotide variant.
Coding change: c.626T>C on transcript NM_019066.5 (MANE Select); coding-DNA position 626, T replaced by C.
Protein change: p.Met209Thr; replaces methionine 209 with threonine.
Molecular consequence: missense variant.
Genome position (GRCh38, 1-based): chr15:23,647,117, A>G on the plus strand (T>C on the coding strand, the complement: MAGEL2 is on the minus strand). VCF-style: chr15-23647117-A-G. GRCh37 (hg19) VCF-style: chr15-23892264-A-G.
Other names: short protein forms M209T.
Identifiers: ClinVar variation 1704048 (VCV001704048.4), dbSNP rs779200815, ClinGen allele CA7430098.